The following is an entry in ClinVar:

NM_002474.3(MYH11):c.2470G>A (p.Ala824Thr)

Gene: MYH11 (myosin heavy chain 11; minus strand). Cytogenetic location: 16p13.11.
Variant type: single nucleotide variant.
Coding change: c.2470G>A on transcript NM_002474.3 (MANE Select); coding-DNA position 2470, G replaced by A.
Protein change: p.Ala824Thr; replaces alanine 824 with threonine.
Molecular consequence: missense variant.
Genome position (GRCh38, 1-based): chr16:15,745,179, C>T on the plus strand (G>A on the coding strand, the complement: MYH11 is on the minus strand). VCF-style: chr16-15745179-C-T. GRCh37 (hg19) VCF-style: chr16-15839036-C-T.
Other names: c.2491G>A, p.Ala831Thr (NM_001040113.2, NM_001040114.2); c.2470G>A, p.Ala824Thr (NM_022844.3); c.2470G>A (NM_002474.2); short protein forms A831T, A824T.
Identifiers: ClinVar variation 2773844 (VCV002773844.8), dbSNP rs773612208, ClinGen allele CA7922262.

ClinVar aggregate classification (germline): Uncertain significance. Review status: criteria provided, multiple submitters, no conflicts (2 of 4 stars). 5 submissions from 5 submitters: Uncertain significance (5). Last evaluated 2025-06-03.

Conditions:
Aortic aneurysm, familial thoracic 4 (AAT4). Also called: AORTIC ANEURYSM/AORTIC DISSECTION AND PATENT DUCTUS ARTERIOSUS. Identifiers: MedGen C1851504, MONDO:0007568, OMIM 132900.
Familial thoracic aortic aneurysm and aortic dissection (TAAD). Also called: Thoracic aortic aneurysms and dissections. Identifiers: Orphanet 91387, MedGen C4707243, MONDO:0019625.

Allele frequency attached by ClinVar (database versions not stated): TOPMed below 0.00001; ExAC 0.00001; gnomAD exomes 0.00001.
gnomAD v4.1: 9 of 1,613,980 alleles (0.00056%); highest among the groups gnomAD compares: East Asian, 0.0022%; no homozygotes.

Submissions (5):

GeneDx
Classification: Uncertain significance. Last evaluated: 2025-06-03. Review status: criteria provided, single submitter. Criteria: GeneDx Variant Classification Process June 2021. Collection method: clinical testing. Allele origin: germline. Affected: yes.
Comment: Not observed at significant frequency in large population cohorts (gnomAD); In silico analysis supports that this missense variant has a deleterious effect on protein structure/function; Has not been previously published as pathogenic or benign to our knowledge

Ambry Genetics
Classification: Uncertain significance for Familial thoracic aortic aneurysm and aortic dissection. Last evaluated: 2024-05-11. Review status: criteria provided, single submitter. Criteria: Ambry Variant Classification Scheme 2023. Collection method: clinical testing. Allele origin: germline.
Comment: The p.A824T variant (also known as c.2470G>A), located in coding exon 19 of the MYH11 gene, results from a G to A substitution at nucleotide position 2470. The alanine at codon 824 is replaced by threonine, an amino acid with similar properties. This amino acid position is conserved. In addition, the in silico prediction for this alteration is inconclusive. Based on the available evidence, the clinical significance of this variant remains unclear.

Color Diagnostics, LLC DBA Color Health
Classification: Uncertain significance for Familial thoracic aortic aneurysm and aortic dissection. Last evaluated: 2024-03-06. Review status: criteria provided, single submitter. Criteria: ACMG Guidelines, 2015. Collection method: clinical testing. Allele origin: germline.
Comment: This missense variant replaces alanine with threonine at codon 831 of the MYH11 protein. Computational prediction is inconclusive regarding the impact of this variant on protein structure and function (internally defined REVEL score threshold 0.5 < inconclusive < 0.7, PMID: 27666373). To our knowledge, functional studies have not been reported for this variant. This variant has not been reported in individuals affected with cardiovascular disorders in the literature. This variant has been identified in 2/251424 chromosomes in the general population by the Genome Aggregation Database (gnomAD). The available evidence is insufficient to determine the role of this variant in disease conclusively. Therefore, this variant is classified as a Variant of Uncertain Significance.

Labcorp Genetics (formerly Invitae), Labcorp
Classification: Uncertain significance for Aortic aneurysm, familial thoracic 4. Last evaluated: 2023-10-15. Review status: criteria provided, single submitter. Criteria: Invitae Variant Classification Sherloc (09022015). Collection method: clinical testing. Allele origin: germline.
Comment: This sequence change replaces alanine, which is neutral and non-polar, with threonine, which is neutral and polar, at codon 831 of the MYH11 protein (p.Ala831Thr). The frequency data for this variant in the population databases is considered unreliable, as metrics indicate poor data quality at this position in the gnomAD database. This variant has not been reported in the literature in individuals affected with MYH11-related conditions. Advanced modeling of protein sequence and biophysical properties (such as structural, functional, and spatial information, amino acid conservation, physicochemical variation, residue mobility, and thermodynamic stability) performed at Invitae indicates that this missense variant is not expected to disrupt MYH11 protein function. In summary, the available evidence is currently insufficient to determine the role of this variant in disease. Therefore, it has been classified as a Variant of Uncertain Significance.

Blueprint Genetics
Classification: Uncertain significance. Last evaluated: 2019-08-20. Review status: criteria provided, single submitter. Criteria: ACMG Guidelines, 2015. Collection method: clinical testing. Allele origin: germline.